The following is an entry in ClinVar:

ClinVar aggregate classification (germline): Uncertain significance (1 of 4 stars; one submission).

Conditions:
Ehlers-Danlos syndrome, kyphoscoliotic type, 2. Also called: Ehlers-Danlos syndrome, kyphoscoliotic and deafness type; FKBP14-Kyphoscoliotic Ehlers-Danlos Syndrome; Ehlers-Danlos syndrome with progressive kyphoscoliosis, myopathy, and hearing loss. Identifiers: Orphanet 300179, MedGen C3281160, MONDO:0013800, OMIM 614557.

Submission:

Labcorp Genetics (formerly Invitae), Labcorp
Classification: Uncertain significance for Ehlers-Danlos syndrome, kyphoscoliotic type, 2. Last evaluated: 2021-03-29. Review status: criteria provided, single submitter. Criteria: Invitae Variant Classification Sherloc (09022015). Collection method: clinical testing. Allele origin: germline.
Comment: In summary, the available evidence is currently insufficient to determine the role of this variant in disease. Therefore, it has been classified as a Variant of Uncertain Significance. Algorithms developed to predict the effect of missense changes on protein structure and function are either unavailable or do not agree on the potential impact of this missense change (SIFT: "Deleterious"; PolyPhen-2: "Probably Damaging"; Align-GVGD: "Class C0"). This variant has not been reported in the literature in individuals with FKBP14-related conditions. This variant is not present in population databases (ExAC no frequency). This sequence change replaces aspartic acid with tyrosine at codon 186 of the FKBP14 protein (p.Asp186Tyr). The aspartic acid residue is moderately conserved and there is a large physicochemical difference between aspartic acid and tyrosine.

NM_017946.4(FKBP14):c.556G>T (p.Asp186Tyr)

Genes: FKBP14 (FKBP prolyl isomerase 14; minus strand), FKBP14-AS1 (FKBP14 antisense RNA 1; plus strand). Cytogenetic location: 7p14.3.
Variant type: single nucleotide variant.
Coding change: c.556G>T on transcript NM_017946.4 (MANE Select); coding-DNA position 556, G replaced by T.
Protein change: p.Asp186Tyr; replaces aspartic acid 186 with tyrosine.
Molecular consequence: missense variant. On other transcripts: non-coding transcript variant (2).
Genome position (GRCh38, 1-based): chr7:30,014,815, C>A on the plus strand (G>T on the coding strand, the complement: FKBP14 is on the minus strand). VCF-style: chr7-30014815-C-A. GRCh37 (hg19) VCF-style: chr7-30054431-C-A.
Other names: short protein forms D186Y.
Identifiers: ClinVar variation 1492987 (VCV001492987.8), dbSNP rs766873942, ClinGen allele CA367116295.